The following is an entry in ClinVar:

ClinVar aggregate classification (germline): Uncertain significance (1 of 4 stars; one submission).

Conditions:
Cardiovascular phenotype. Identifiers: MedGen CN230736.

Submission:

Ambry Genetics
Classification: Uncertain significance for Cardiovascular phenotype. Last evaluated: 2025-11-10. Review status: criteria provided, single submitter. Criteria: Ambry Variant Classification Scheme 2023. Collection method: clinical testing. Allele origin: germline.
Comment: The p.D217A variant (also known as c.650A>C) is located in coding exon 8 of the DMD gene. The aspartic acid at codon 217 is replaced by alanine, an amino acid with dissimilar properties. This change occurs in the first base pair of coding exon 8. This amino acid position is highly conserved in available vertebrate species. In addition, this alteration is predicted to be deleterious by in silico analysis. Based on the available evidence, the clinical significance of this variant remains unclear.

NM_004006.3(DMD):c.650A>C (p.Asp217Ala)

Gene: DMD (dystrophin; minus strand). Cytogenetic location: Xp21.1.
Variant type: single nucleotide variant.
Coding change: c.650A>C on transcript NM_004006.3 (MANE Select); coding-DNA position 650, A replaced by C.
Protein change: p.Asp217Ala; replaces aspartic acid 217 with alanine.
Molecular consequence: missense variant.
Genome position (GRCh38, 1-based): chrX:32,699,293, T>G on the plus strand (A>C on the coding strand, the complement: DMD is on the minus strand). VCF-style: chrX-32699293-T-G. GRCh37 (hg19) VCF-style: chrX-32717410-T-G.
Other names: c.626A>C, p.Asp209Ala (NM_000109.4); c.638A>C, p.Asp213Ala (NM_004009.3); c.281A>C, p.Asp94Ala (NM_004010.3); short protein forms D94A, D213A, D217A, D209A.
Identifiers: ClinVar variation 4613975 (VCV004613975.1).